The following is an entry in ClinVar:

ClinVar aggregate classification (germline): Likely pathogenic (1 of 4 stars; one submission).

Conditions:
ADAMTSL4-related disorder. Also called: ADAMTSL4-Related Disorders; ADAMTSL4-related condition.

Submission:

PreventionGenetics, part of Exact Sciences
Classification: Likely pathogenic for ADAMTSL4-related condition. Last evaluated: 2025-02-11. Review status: criteria provided, single submitter. Criteria: ACMG Guidelines, 2015. Collection method: clinical testing. Allele origin: germline.
Comment: The ADAMTSL4 c.3G>A variant is predicted to disrupt the translation initiation site (Start loss). To our knowledge, this variant has not been reported in the literature or in a large population database (gnomAD), indicating this variant is rare. Of note, another start loss variant has been documented in ADAMTSL4 in the homozygous state in a patient with ectopia lentis (Overwater et al. 2017. PubMed ID: 28642162). Based on this evidence, the c.3G>A variant is interpreted as likely pathogenic.

NM_019032.6(ADAMTSL4):c.3G>A (p.Met1Ile)

Genes: ADAMTSL4 (ADAMTS like 4; plus strand), ADAMTSL4-AS2 (ADAMTSL4 antisense RNA 2; minus strand). Cytogenetic location: 1q21.2.
Variant type: single nucleotide variant.
Coding change: c.3G>A on transcript NM_019032.6 (MANE Select); coding-DNA position 3, G replaced by A.
Protein change: p.Met1Ile; changes the start codon (methionine 1).
Molecular consequence: missense variant, initiator codon variant.
Genome position (GRCh38, 1-based): chr1:150,552,291, G>A. VCF-style: chr1-150552291-G-A. GRCh37 (hg19) VCF-style: chr1-150524767-G-A.
Other names: c.3G>A, p.Met1Ile (NM_001288607.2, NM_001288608.2, NM_001378596.1 and 1 more transcripts); short protein forms M1I.
Identifiers: ClinVar variation 5000301 (VCV005000301.1).